The following is an entry in ClinVar:

ClinVar aggregate classification (germline): Pathogenic (1 of 4 stars; one submission).

Conditions:
KBG syndrome (KBGS). Also called: ANKRD11-Related KBG Syndrome. Identifiers: Orphanet 2332, MedGen C0220687, MONDO:0007846, OMIM 148050.

Submission:

Genetics Laboratory, UDIAT-Centre Diagnòstic, Hospital Universitari Parc Tauli
Classification: Pathogenic for KBG syndrome. Last evaluated: 2023-06-19. Review status: criteria provided, single submitter. Criteria: ACMG Guidelines, 2015. Collection method: clinical testing. Allele origin: unknown. Inheritance: Autosomal dominant inheritance. Affected: yes.
Comment: PVS1_very strong;PM2_supporting;PM6_moderate

NM_013275.6(ANKRD11):c.1847del (p.Glu616fs)

Gene: ANKRD11 (ankyrin repeat domain 11; minus strand). Cytogenetic location: 16q24.3.
Variant type: Deletion.
Coding change: c.1847del on transcript NM_013275.6 (MANE Select); coding-DNA position 1847, one base deleted (A; older notation c.1847delA).
Protein change: p.Glu616fs; shifts the reading frame from glutamic acid 616.
Molecular consequence: frameshift variant.
Genome position (GRCh38, 1-based): chr16:89,284,695, T deleted on the plus strand (A on the coding strand, the reverse complement: ANKRD11 is on the minus strand). VCF-style (leftmost placement, unchanged base first): chr16-89284694-CT-C. GRCh37 (hg19) VCF-style: chr16-89351102-CT-C.
Other names: c.1847del, p.Glu616fs (NM_001256182.2, NM_001256183.2); short protein forms E616fs.
Identifiers: ClinVar variation 3897614 (VCV003897614.1).